The following is an entry in ClinVar:

ClinVar aggregate classification (germline): Uncertain significance (1 of 4 stars; one submission).

gnomAD v4.1: 46 of 1,612,778 alleles (0.0029%); highest among the groups gnomAD compares: African/African-American, 0.04%; no homozygotes.

Submission:

Labcorp Genetics (formerly Invitae), Labcorp
Classification: Uncertain significance. Last evaluated: 2026-01-06. Review status: criteria provided, single submitter. Criteria: Invitae Variant Classification Sherloc (09022015). Collection method: clinical testing. Allele origin: germline.
Comment: This sequence change replaces arginine, which is basic and polar, with glutamine, which is neutral and polar, at codon 3 of the LIG1 protein (p.Arg3Gln). This variant is present in population databases (rs201713810, gnomAD 0.04%). This variant has not been reported in the literature in individuals affected with LIG1-related conditions. An algorithm developed to predict the effect of missense changes on protein structure and function (PolyPhen-2) suggests that this variant is likely to be disruptive. In summary, the available evidence is currently insufficient to determine the role of this variant in disease. Therefore, it has been classified as a Variant of Uncertain Significance.

NM_000234.3(LIG1):c.8G>A (p.Arg3Gln)

Gene: LIG1 (DNA ligase 1; minus strand). Cytogenetic location: 19q13.33.
Variant type: single nucleotide variant.
Coding change: c.8G>A on transcript NM_000234.3 (MANE Select); coding-DNA position 8, G replaced by A.
Protein change: p.Arg3Gln; replaces arginine 3 with glutamine.
Molecular consequence: missense variant. On other transcripts: non-coding transcript variant (6).
Genome position (GRCh38, 1-based): chr19:48,165,559, C>T on the plus strand (G>A on the coding strand, the complement: LIG1 is on the minus strand). VCF-style: chr19-48165559-C-T. GRCh37 (hg19) VCF-style: chr19-48668816-C-T.
Other names: c.8G>A, p.Arg3Gln (NM_001289063.2, NM_001289064.2, NM_001320970.2 and 1 more transcripts); short protein forms R3Q.
Identifiers: ClinVar variation 4701816 (VCV004701816.1).